The following is an entry in ClinVar:

NM_024757.5(EHMT1):c.2028dup (p.Pro677fs)

Gene: EHMT1 (euchromatic histone lysine methyltransferase 1; plus strand). Cytogenetic location: 9q34.3.
Variant type: Duplication.
Coding change: c.2028dup on transcript NM_024757.5 (MANE Select); coding-DNA position 2028, one base duplicated (G; older notation c.2028dupG).
Protein change: p.Pro677fs; shifts the reading frame from proline 677.
Molecular consequence: frameshift variant.
Genome position (GRCh38, 1-based): chr9:137,777,891, G duplicated; the last of 3 consecutive G bases (chr9:137,777,889-137,777,891); duplicating any one gives the same sequence. VCF-style (leftmost placement, unchanged base first): chr9-137777888-C-CG. GRCh37 (hg19) VCF-style: chr9-140672340-C-CG.
Other names: c.2028dup, p.Pro677fs (NM_001145527.2); c.1935dup, p.Pro646fs (NM_001354259.2); c.2007dup, p.Pro670fs (NM_001354263.2); short protein forms P677fs, P646fs, P670fs.
Identifiers: ClinVar variation 65730 (VCV000065730.3), dbSNP rs1554879411, ClinGen allele CA345054.

ClinVar aggregate classification (germline): Pathogenic. Review status: criteria provided, single submitter (1 of 4 stars). 2 submissions from 2 submitters: Pathogenic (1). 1 of the submissions does not count toward it.

Conditions:
Kleefstra syndrome 1 (KLEFS1). Identifiers: Orphanet 261494, MedGen C0795833, MONDO:0027407, OMIM 610253.

Submissions (2):

Laboratory of Genetics, Children's Clinical University Hospital Latvia
Classification: Pathogenic for Kleefstra syndrome 1. Review status: criteria provided, single submitter. Criteria: ACMG Guidelines, 2015. Collection method: curation. Allele origin: germline. Affected: yes.
Comment: Inheritance unknown

GeneReviews
No classification provided. Condition: Kleefstra syndrome 1. Review status: no classification provided. Collection method: literature only. Allele origin: germline. Affected: yes. Not counted in ClinVar's aggregate classification.

Literature cited by the submitters: PubMed 39013458 (cited by Laboratory of Genetics, Children's Clinical University Hospital Latvia); NCBI Bookshelf NBK47079 (cited by GeneReviews).